The following is an entry in ClinVar:

Conditions:
Breast-ovarian cancer, familial, susceptibility to, 1 (BROVCA1). Also called: BRCA1 Hereditary Breast and Ovarian Cancer; OVARIAN CANCER, SUSCEPTIBILITY TO. Identifiers: Orphanet 145, MedGen C2676676, MONDO:0011450, OMIM 604370. Disease mechanism: loss of function.

Submission:

Brotman Baty Institute, University of Washington
No classification provided (evidence only). Condition: Breast-ovarian cancer, familial 1. Review status: no classification provided. Collection method: in vitro. Allele origin: not applicable. Functional consequence: functionally_normal.
ClinVar note: "not provided" was previously submitted as the classification for the variant. However, the classification appeared to be based only on an observation of functional data so it was converted to no classification on 2025-07-30.

NM_007294.4(BRCA1):c.17T>C (p.Leu6Pro)

Gene: BRCA1 (BRCA1 DNA repair associated; minus strand). Cytogenetic location: 17q21.31.
Variant type: single nucleotide variant.
Coding change: c.17T>C on transcript NM_007294.4 (MANE Select); coding-DNA position 17, T replaced by C.
Protein change: p.Leu6Pro; replaces leucine 6 with proline.
Molecular consequence: missense variant. On other transcripts: 5 prime UTR variant (1), non-coding transcript variant (1).
Genome position (GRCh38, 1-based): chr17:43,124,080, A>G on the plus strand (T>C on the coding strand, the complement: BRCA1 is on the minus strand). VCF-style: chr17-43124080-A-G. GRCh37 (hg19) VCF-style: chr17-41276097-A-G.
Other names: c.17T>C, p.Leu6Pro (NM_001407649.1, NM_001407652.1, NM_001407653.1 and 193 more transcripts); c.-241T>C (NM_001407694.1, NM_001407724.1, NM_001407727.1 and 11 more transcripts); c.-245T>C (NM_001407695.1, NM_001408465.1); c.-386T>C (NM_001407696.1); c.-270T>C (NM_001407697.1, NM_001407846.1, NM_001407920.1); c.-71T>C (NM_001407698.1, NM_001407732.1, NM_001407736.1 and 23 more transcripts); c.-244T>C (NM_001407725.1, NM_001407730.1, NM_001407734.1 and 22 more transcripts); c.-190T>C (NM_001407726.1, NM_001407751.1); and 8 more; short protein forms L6P.
Identifiers: ClinVar variation 869073 (VCV000869073.3), dbSNP rs2055741739, ClinGen allele CA10602125.